The following is an entry in ClinVar:

ClinVar aggregate classification (germline): Uncertain significance (1 of 4 stars; one submission).

Conditions:
Hereditary cancer-predisposing syndrome. Also called: Neoplastic Syndromes, Hereditary; Tumor predisposition; Hereditary neoplastic syndrome; Hereditary Cancer Syndrome. Identifiers: Orphanet 140162, MedGen C0027672, MeSH D009386, MONDO:0015356.

Submission:

Labcorp Genetics (formerly Invitae), Labcorp
Classification: Uncertain significance for Hereditary cancer-predisposing syndrome. Last evaluated: 2023-07-21. Review status: criteria provided, single submitter. Criteria: Invitae Variant Classification Sherloc (09022015). Collection method: clinical testing. Allele origin: germline.
Comment: ClinVar contains an entry for this variant (Variation ID: 644223). This variant has not been reported in the literature in individuals affected with RAD50-related conditions. This variant is not present in population databases (gnomAD no frequency). This sequence change replaces methionine, which is neutral and non-polar, with valine, which is neutral and non-polar, at codon 735 of the RAD50 protein (p.Met735Val). Advanced modeling of protein sequence and biophysical properties (such as structural, functional, and spatial information, amino acid conservation, physicochemical variation, residue mobility, and thermodynamic stability) performed at Invitae indicates that this missense variant is not expected to disrupt RAD50 protein function. In summary, the available evidence is currently insufficient to determine the role of this variant in disease. Therefore, it has been classified as a Variant of Uncertain Significance.

NM_005732.4(RAD50):c.2203A>G (p.Met735Val)

Gene: RAD50 (RAD50 double strand break repair protein; plus strand). Cytogenetic location: 5q31.1.
Variant type: single nucleotide variant.
Coding change: c.2203A>G on transcript NM_005732.4 (MANE Select); coding-DNA position 2203, A replaced by G.
Protein change: p.Met735Val; replaces methionine 735 with valine.
Molecular consequence: missense variant.
Genome position (GRCh38, 1-based): chr5:132,595,806, A>G. VCF-style: chr5-132595806-A-G. GRCh37 (hg19) VCF-style: chr5-131931498-A-G.
Other names: short protein forms M735V.
Identifiers: ClinVar variation 644223 (VCV000644223.9), dbSNP rs144890318, ClinGen allele CA360950912.
Genomic context (GRCh38, chr5:132,595,806, plus strand): 5'-ACAGAATCAGAGCTAAAAAAAAAGGAAAAGCGGCGTGATGAAATGCTGGGACTTGTGCCC[A>G]TGAGGTAAGAATGGGATTTACCTTCACTGTACATGTAGCAGCACATTGTAAAAGGTACCC-3'
Protein context (NP_005723.2, residues 725-745): RRDEMLGLVP[Met735Val]RQSIIDLKEK